The following is an entry in ClinVar:

ClinVar aggregate classification (germline): Pathogenic/Likely pathogenic. Review status: criteria provided, multiple submitters, no conflicts (2 of 4 stars). 5 submissions from 5 submitters: Pathogenic (1); Likely pathogenic (3). 1 of the submissions does not count toward it. Last evaluated 2025-09-10.

Conditions:
Inborn genetic diseases. Identifiers: MedGen C0950123, MeSH D030342.
Niemann-Pick disease, type C1. Also called: NIEMANN-PICK DISEASE, VARIANT TYPE C1; NEUROVISCERAL STORAGE DISEASE WITH VERTICAL SUPRANUCLEAR OPHTHALMOPLEGIA; NIEMANN-PICK DISEASE WITH CHOLESTEROL ESTERIFICATION BLOCK; NIEMANN-PICK DISEASE WITHOUT SPHINGOMYELINASE DEFICIENCY; NIEMANN-PICK DISEASE, CHRONIC NEURONOPATHIC FORM. Identifiers: Orphanet 646, MedGen C3179455, MONDO:0009757, OMIM 257220.

Allele frequency attached by ClinVar (database versions not stated): TOPMed below 0.00001; gnomAD 0.00001.

Submissions (5):

Labcorp Genetics (formerly Invitae), Labcorp
Classification: Pathogenic for Niemann-Pick disease, type C1. Last evaluated: 2025-09-10. Review status: criteria provided, single submitter. Criteria: Invitae Variant Classification Sherloc (09022015). Collection method: clinical testing. Allele origin: germline.
Comment: This sequence change replaces cysteine, which is neutral and slightly polar, with tyrosine, which is neutral and polar, at codon 479 of the NPC1 protein (p.Cys479Tyr). This variant is not present in population databases (gnomAD no frequency). This missense change has been observed in individual(s) with Niemann-Pick disease (PMID: 16098014, 20718790; internal data). In at least one individual the data is consistent with being in trans (on the opposite chromosome) from a pathogenic variant. ClinVar contains an entry for this variant (Variation ID: 539310). Invitae Evidence Modeling of protein sequence and biophysical properties (such as structural, functional, and spatial information, amino acid conservation, physicochemical variation, residue mobility, and thermodynamic stability) indicates that this missense variant is expected to disrupt NPC1 protein function with a positive predictive value of 95%. For these reasons, this variant has been classified as Pathogenic.

Natera, Inc.
Classification: Likely pathogenic for Niemann-Pick disease type C1. Last evaluated: 2024-11-20. Review status: criteria provided, single submitter. Criteria: Natera Variant Classification Schema (03/2026). Collection method: clinical testing. Allele origin: germline.
Comment: The c.1436G>A variant in NPC1 is a missense variant predicted to cause substitution of cysteine to tyrosine at amino acid 479. This variant is rare in the general population with a frequency below the threshold expected for the associated phenotype(s). This variant has been observed in one or more individuals affected with the associated recessive disease, as either homozygous or compound heterozygous with a second variant (PMID: 20718790). This variant has been identified in one or more affected individual with a phenotype highly consistent with the associated gene (PMID: 20718790). Computational prediction algorithms indicate this variant is likely to affect gene or protein function. Given the available evidence, this variant is classified as Likely Pathogenic.

Ambry Genetics
Classification: Likely pathogenic for Inborn genetic diseases. Last evaluated: 2023-03-30. Review status: criteria provided, single submitter. Criteria: Ambry Variant Classification Scheme 2023. Collection method: clinical testing. Allele origin: germline.
Comment: The c.1436G>A (p.C479Y) alteration is located in coding exon 9 of the NPC1 gene. This alteration results from a G to A substitution at nucleotide position 1436, causing the cysteine (C) at amino acid position 479 to be replaced by a tyrosine (Y). This variant was not reported in population-based cohorts in the Genome Aggregation Database (gnomAD). The child was heterozygous for this variant and a second mutation was not able to be detected (Fernandez-Valero 2005; Mac&iacute;as-Vidal 2011). This amino acid position is highly conserved in available vertebrate species. This alteration is predicted to be deleterious by in silico analysis. Based on the available evidence, this alteration is classified as likely pathogenic.

Baylor Genetics
Classification: Likely pathogenic for Niemann-Pick disease, type C1. Review status: criteria provided, single submitter. Criteria: ACMG Guidelines, 2015. Collection method: clinical testing. Allele origin: germline.

Eurofins Ntd Llc (ga)
Classification: Uncertain significance. Last evaluated: 2017-08-10. Review status: flagged submission. Criteria: EGL Classification Definitions 2015. Collection method: clinical testing. Allele origin: germline. Observed: 1 variant allele, 1 heterozygote. Not counted in ClinVar's aggregate classification.
ClinVar note: Reason: Older and outlier claim with insufficient supporting evidence

Literature cited by the submitters: PubMed 16098014 (cited by Labcorp Genetics (formerly Invitae), Labcorp and Ambry Genetics); PubMed 20718790 (cited by 3 submitters).

NM_000271.5(NPC1):c.1436G>A (p.Cys479Tyr)

Gene: NPC1 (NPC intracellular cholesterol transporter 1; minus strand). Cytogenetic location: 18q11.2.
Variant type: single nucleotide variant.
Coding change: c.1436G>A on transcript NM_000271.5 (MANE Select); coding-DNA position 1436, G replaced by A.
Protein change: p.Cys479Tyr; replaces cysteine 479 with tyrosine.
Molecular consequence: missense variant.
Genome position (GRCh38, 1-based): chr18:23,554,875, C>T on the plus strand (G>A on the coding strand, the complement: NPC1 is on the minus strand). VCF-style: chr18-23554875-C-T. GRCh37 (hg19) VCF-style: chr18-21134839-C-T.
Other names: short protein forms C479Y.
Identifiers: ClinVar variation 539310 (VCV000539310.20), dbSNP rs1555636659, ClinGen allele CA401775700.